The following is an entry in ClinVar:

NM_004789.4(LHX2):c.728-3T>G

Gene: LHX2 (LIM homeobox 2; plus strand). Cytogenetic location: 9q33.3.
Variant type: single nucleotide variant.
Coding change: c.728-3T>G on transcript NM_004789.4 (MANE Select); 3 bases into the intron before coding-DNA position 728, T replaced by G.
Molecular consequence: intron variant.
Genome position (GRCh38, 1-based): chr9:124,021,096, T>G. VCF-style: chr9-124021096-T-G. GRCh37 (hg19) VCF-style: chr9-126783375-T-G.
Identifiers: ClinVar variation 5009101 (VCV005009101.1).

ClinVar aggregate classification (germline): Uncertain significance (1 of 4 stars; one submission).

Submission:

GeneDx
Classification: Uncertain significance. Last evaluated: 2026-03-12. Review status: criteria provided, single submitter. Criteria: GeneDx Variant Classification Process June 2021. Collection method: clinical testing. Allele origin: germline.
Comment: Not observed at significant frequency in large population cohorts (gnomAD); Has not been previously published as pathogenic or benign to our knowledge; In silico analysis is inconclusive as to whether the variant alters gene splicing. In the absence of RNA/functional studies, the actual effect of this sequence change is unknown.